The following is an entry in ClinVar:

NM_032634.4(PIGO):c.443A>T (p.Asp148Val)

Gene: PIGO (phosphatidylinositol glycan anchor biosynthesis class O; minus strand). Cytogenetic location: 9p13.3.
Variant type: single nucleotide variant.
Coding change: c.443A>T on transcript NM_032634.4 (MANE Select); coding-DNA position 443, A replaced by T.
Protein change: p.Asp148Val; replaces aspartic acid 148 with valine.
Molecular consequence: missense variant.
Genome position (GRCh38, 1-based): chr9:35,095,123, T>A on the plus strand (A>T on the coding strand, the complement: PIGO is on the minus strand). VCF-style: chr9-35095123-T-A. GRCh37 (hg19) VCF-style: chr9-35095120-T-A.
Other names: c.443A>T, p.Asp148Val (NM_001201484.2, NM_152850.4); short protein forms D148V.
Identifiers: ClinVar variation 2501593 (VCV002501593.2), dbSNP rs2490476585, ClinGen allele CA373324284.
Genomic context (GRCh38, chr9:35,095,123, plus strand): 5'-GTGAGCTGCTTAATGAGATTGTCTTCCACTATGGCGTGGCTGGCGAAGTTACTACCAGCA[T>A]CAATAAAGGTAGGCAGTGAGCCAGTGGTGAGGGCCTTGAGGCGCTGCATGGTGGTGGTAG-3'
Protein context (NP_116023.2, residues 138-158): LTTGSLPTFI[Asp148Val]AGSNFASHAI

ClinVar aggregate classification (germline): Uncertain significance (1 of 4 stars; one submission).

Allele frequency attached by ClinVar (database versions not stated): gnomAD exomes below 0.00001.
gnomAD v4.1: 3 of 1,613,952 alleles (0.00019%); highest among the groups gnomAD compares: Non-Finnish European, 0.00025%; no homozygotes.

Submission:

GeneDx
Classification: Uncertain significance. Last evaluated: 2026-08-23. Review status: criteria provided, single submitter. Criteria: GeneDx Variant Classification Process June 2021. Collection method: clinical testing. Allele origin: germline.
Comment: Not observed at significant frequency in large population cohorts (gnomAD); In silico analysis supports that this missense variant has a deleterious effect on protein structure/function; Has not been previously published as pathogenic or benign to our knowledge